The following is an entry in ClinVar:

ClinVar aggregate classification (germline): Pathogenic (1 of 4 stars; one submission).

Conditions:
Familial cancer of breast. Also called: Hereditary breast cancer; BREAST CANCER, FAMILIAL; hereditary breast carcinoma. Identifiers: Orphanet 227535, MedGen C0346153, MONDO:0016419, OMIM 114480. Disease mechanism: loss of function.

Submission:

Labcorp Genetics (formerly Invitae), Labcorp
Classification: Pathogenic for Familial cancer of breast. Last evaluated: 2018-12-29. Review status: criteria provided, single submitter. Criteria: Invitae Variant Classification Sherloc (09022015). Collection method: clinical testing. Allele origin: germline.
Comment: For these reasons, this variant has been classified as Pathogenic. Loss-of-function variants in PALB2 are known to be pathogenic (PMID: 17200668, 24136930, 25099575). A different variant (c.3113G>A) giving rise to the same protein effect observed here (p.Trp1038*) has been determined to be pathogenic (PMID: 17200668, 21182766, 21285249, 23471749). This suggests that this variant is also likely to be causative of disease. Algorithms developed to predict the effect of sequence changes on RNA splicing suggest that this variant may disrupt the consensus splice site, but this prediction has not been confirmed by published transcriptional studies. This variant has not been reported in the literature in individuals with PALB2-related conditions. This variant is not present in population databases (ExAC no frequency). This sequence change creates a premature translational stop signal (p.Trp1038*) in the PALB2 gene. It is expected to result in an absent or disrupted protein product.

Literature cited by the submitters: PubMed 17200668; PubMed 24136930; PubMed 25099575; PubMed 21182766; PubMed 21285249; PubMed 23471749.

NM_001407299.1(PALB2):c.3113+7271del

Gene: PALB2 (partner and localizer of BRCA2; minus strand). Cytogenetic location: 16p12.2.
Variant type: Deletion.
Coding change: c.3113+7271del on transcript NM_001407299.1; 7271 bases into the intron after coding-DNA position 3113, one base deleted (G; older notation c.3113+7271delG).
Molecular consequence: intron variant.
Genome position (GRCh38, 1-based): chr16:23,614,091, C deleted on the plus strand (G on the coding strand, the reverse complement: PALB2 is on the minus strand); the first of 2 consecutive C bases (chr16:23,614,091-23,614,092); deleting either gives the same sequence. VCF-style (leftmost placement, unchanged base first): chr16-23614090-TC-T. GRCh37 (hg19) VCF-style: chr16-23625411-TC-T.
Other names: c.2228+7271del (NM_001407308.1, NM_001407309.1).
Identifiers: ClinVar variation 659444 (VCV000659444.10), dbSNP rs1597073423, ClinGen allele CA915949163.
Genomic context (GRCh38, chr16:23,614,090, plus strand): 5'-CTGAAGCTTGGTAAGAATCATCAATGTGCATCTTTTTCAGGAGTTGACCAGTTTTTAAAT[TC>T]CTTAGATAACAAAAATAAATAAGCTGATCACATTCTTCCAACAAACCAGTTTTCAGAAAA-3'